The following is an entry in ClinVar:

ClinVar aggregate classification (germline): Uncertain significance (1 of 4 stars; one submission).

Conditions:
Biotinidase deficiency. Also called: BTD deficiency; Late-onset biotin-responsive multiple carboxylase deficiency; Biotin deficiency. Identifiers: Orphanet 79241, MedGen C0220754, MONDO:0009665, OMIM 253260.

Submission:

3billion
Classification: Uncertain significance for Biotinidase deficiency. Last evaluated: 2023-10-12. Review status: criteria provided, single submitter. Criteria: ACMG Guidelines, 2015. Collection method: clinical testing. Allele origin: germline. Affected: yes.
Comment: The variant is not observed in the gnomAD v2.1.1 dataset. Predicted Consequence/Location: Missense variant In silico tool predictions suggest damaging effect of the variant on gene or gene product [REVEL: 0.92 (>=0.6, sensitivity 0.68 and specificity 0.92); 3Cnet: 0.97 (>=0.6, sensitivity 0.72 and precision 0.9)]. Therefore, this variant is classified as VUS according to the recommendation of ACMG/AMP guideline.

NM_001370658.1(BTD):c.676T>C (p.Phe226Leu)

Gene: BTD (biotinidase; plus strand). Cytogenetic location: 3p25.1.
Variant type: single nucleotide variant.
Coding change: c.676T>C on transcript NM_001370658.1 (MANE Select); coding-DNA position 676, T replaced by C.
Protein change: p.Phe226Leu; replaces phenylalanine 226 with leucine.
Molecular consequence: missense variant. On other transcripts: intron variant (6).
Genome position (GRCh38, 1-based): chr3:15,644,592, T>C. VCF-style: chr3-15644592-T-C. GRCh37 (hg19) VCF-style: chr3-15686099-T-C.
Other names: c.676T>C, p.Phe226Leu (NM_001281723.4, NM_001281724.3, NM_001281725.3 and 18 more transcripts); c.399+2535T>C (NM_001370753.1, NM_001407400.1, NM_001407380.1 and 3 more transcripts); short protein forms F226L.
Identifiers: ClinVar variation 3775722 (VCV003775722.1).